The following is an entry in ClinVar:

ClinVar aggregate classification (germline): Uncertain significance (1 of 4 stars; one submission).

Conditions:
Werner syndrome (WRN). Identifiers: Orphanet 902, MedGen C0043119, MONDO:0010196, OMIM 277700.

Allele frequency attached by ClinVar (database versions not stated): gnomAD exomes below 0.00001.
gnomAD v4.1: 1 of 1,612,808 alleles (0.000062%); highest among the groups gnomAD compares: Non-Finnish European, 0.000085%; no homozygotes.

Submission:

Labcorp Genetics (formerly Invitae), Labcorp
Classification: Uncertain significance for Werner syndrome. Last evaluated: 2023-05-28. Review status: criteria provided, single submitter. Criteria: Invitae Variant Classification Sherloc (09022015). Collection method: clinical testing. Allele origin: germline.
Comment: This sequence change falls in intron 19 of the WRN gene. It does not directly change the encoded amino acid sequence of the WRN protein. It affects a nucleotide within the consensus splice site. In summary, the available evidence is currently insufficient to determine the role of this variant in disease. Therefore, it has been classified as a Variant of Uncertain Significance. Variants that disrupt the consensus splice site are a relatively common cause of aberrant splicing (PMID: 17576681, 9536098). Algorithms developed to predict the effect of sequence changes on RNA splicing suggest that this variant is not likely to affect RNA splicing. ClinVar contains an entry for this variant (Variation ID: 1055218). This variant has not been reported in the literature in individuals affected with WRN-related conditions. This variant is not present in population databases (gnomAD no frequency).

Literature cited by the submitters: PubMed 17576681; PubMed 9536098.

NM_000553.6(WRN):c.2273+5G>A

Gene: WRN (WRN RecQ like helicase; plus strand). Cytogenetic location: 8p12.
Variant type: single nucleotide variant.
Coding change: c.2273+5G>A on transcript NM_000553.6 (MANE Select); 5 bases into the intron after coding-DNA position 2273, G replaced by A.
Molecular consequence: intron variant.
Genome position (GRCh38, 1-based): chr8:31,111,804, G>A. VCF-style: chr8-31111804-G-A. GRCh37 (hg19) VCF-style: chr8-30969320-G-A.
Identifiers: ClinVar variation 1055218 (VCV001055218.5), dbSNP rs2130284927, ClinGen allele CA2499219253.
Genomic context (GRCh38, chr8:31,111,804, plus strand): 5'-AGGCGAAAAACAGGGAATATCCTTCAGGATCTGCAGCCATTTCTTGTCAAAACAAGGTAA[G>A]GATTTAATGGTTGATGAATTTTGGTAATGATTTCCTTTTTTTTTTTTTAACAACTTATGT-3'